The following is an entry in ClinVar:

ClinVar aggregate classification (germline): Uncertain significance (1 of 4 stars; one submission).

gnomAD v4.1: 7 of 1,315,800 alleles (0.00053%); highest among the groups gnomAD compares: Non-Finnish European, 0.00067%; no homozygotes.

Submission:

Women's Health and Genetics/Laboratory Corporation of America, LabCorp
Classification: Uncertain significance. Last evaluated: 2022-05-11. Review status: criteria provided, single submitter. Criteria: LabCorp Variant Classification Summary - May 2015. Collection method: clinical testing. Allele origin: germline.
Comment: Variant summary: PDCD2 c.101G>C (p.Arg34Pro) results in a non-conservative amino acid change in the encoded protein sequence. Four of five in-silico tools predict a damaging effect of the variant on protein function. The variant was absent in 8536 control chromosomes (gnomAD). The available data on variant occurrences in the general population are insufficient to allow any conclusion about variant significance. To our knowledge, no occurrence of c.101G>C in individuals affected with PDCD2-Related Disorders and no experimental evidence demonstrating its impact on protein function have been reported. No clinical diagnostic laboratories have submitted clinical-significance assessments for this variant to ClinVar after 2014. Based on the evidence outlined above, the variant was classified as uncertain significance.

NM_002598.4(PDCD2):c.101G>C (p.Arg34Pro)

Genes: PDCD2 (programmed cell death 2; minus strand), LOC129997717 (ATAC-STARR-seq lymphoblastoid silent region 17802; plus strand). Cytogenetic location: 6q27.
Variant type: single nucleotide variant.
Coding change: c.101G>C on transcript NM_002598.4 (MANE Select); coding-DNA position 101, G replaced by C.
Protein change: p.Arg34Pro; replaces arginine 34 with proline.
Molecular consequence: missense variant. On other transcripts: intron variant (3).
Genome position (GRCh38, 1-based): chr6:170,584,481, C>G on the plus strand (G>C on the coding strand, the complement: PDCD2 is on the minus strand). VCF-style: chr6-170584481-C-G. GRCh37 (hg19) VCF-style: chr6-170893569-C-G.
Other names: c.101G>C, p.Arg34Pro (NM_001199461.2, NM_001363655.2, NM_144781.3); c.90+11G>C (NM_001199462.2, NM_001199463.2, NM_001199464.2); short protein forms R34P.
Identifiers: ClinVar variation 1696215 (VCV001696215.1), dbSNP rs1001626835, ClinGen allele CA152244471.